The following is an entry in ClinVar:

NM_000271.5(NPC1):c.806A>G (p.Tyr269Cys)

Gene: NPC1 (NPC intracellular cholesterol transporter 1; minus strand). Cytogenetic location: 18q11.2.
Variant type: single nucleotide variant.
Coding change: c.806A>G on transcript NM_000271.5 (MANE Select); coding-DNA position 806, A replaced by G.
Protein change: p.Tyr269Cys; replaces tyrosine 269 with cysteine.
Molecular consequence: missense variant.
Genome position (GRCh38, 1-based): chr18:23,560,306, T>C on the plus strand (A>G on the coding strand, the complement: NPC1 is on the minus strand). VCF-style: chr18-23560306-T-C. GRCh37 (hg19) VCF-style: chr18-21140270-T-C.
Other names: short protein forms Y269C.
Identifiers: ClinVar variation 2427230 (VCV002427230.4), dbSNP rs774575182, ClinGen allele CA297074605.

ClinVar aggregate classification (germline): Uncertain significance (1 of 4 stars; one submission).

Conditions:
Niemann-Pick disease, type C1. Also called: NIEMANN-PICK DISEASE, VARIANT TYPE C1; NEUROVISCERAL STORAGE DISEASE WITH VERTICAL SUPRANUCLEAR OPHTHALMOPLEGIA; NIEMANN-PICK DISEASE WITH CHOLESTEROL ESTERIFICATION BLOCK; NIEMANN-PICK DISEASE WITHOUT SPHINGOMYELINASE DEFICIENCY; NIEMANN-PICK DISEASE, CHRONIC NEURONOPATHIC FORM. Identifiers: Orphanet 646, MedGen C3179455, MONDO:0009757, OMIM 257220.

Allele frequency attached by ClinVar (database versions not stated): gnomAD 0.00001.
gnomAD v4.1: 9 of 1,614,020 alleles (0.00056%); highest among the groups gnomAD compares: Non-Finnish European, 0.00068%; no homozygotes.

Submission:

Labcorp Genetics (formerly Invitae), Labcorp
Classification: Uncertain significance for Niemann-Pick disease, type C1. Last evaluated: 2022-05-21. Review status: criteria provided, single submitter. Criteria: Invitae Variant Classification Sherloc (09022015). Collection method: clinical testing. Allele origin: germline.
Comment: In summary, the available evidence is currently insufficient to determine the role of this variant in disease. Therefore, it has been classified as a Variant of Uncertain Significance. Algorithms developed to predict the effect of missense changes on protein structure and function (SIFT, PolyPhen-2, Align-GVGD) all suggest that this variant is likely to be tolerated. This variant has not been reported in the literature in individuals affected with NPC1-related conditions. This variant is present in population databases (rs774575182, gnomAD 0.007%). This sequence change replaces tyrosine, which is neutral and polar, with cysteine, which is neutral and slightly polar, at codon 269 of the NPC1 protein (p.Tyr269Cys).